The following is an entry in ClinVar:

ClinVar aggregate classification (germline): Uncertain significance (1 of 4 stars; one submission).

Conditions:
Myopathy, proximal, and ophthalmoplegia (CMYO6). Also called: MYOPATHY WITH CONGENITAL JOINT CONTRACTURES, OPHTHALMOPLEGIA, AND RIMMED VACUOLES; INCLUSION BODY MYOPATHY 3, AUTOSOMAL DOMINANT; CONGENITAL MYOPATHY 6 WITH OPHTHALMOPLEGIA. Identifiers: Orphanet 363677, Orphanet 79091, MedGen C1854106, MONDO:0011577, OMIM 605637.

gnomAD v4.1: 1 of 1,614,208 alleles (0.000062%); highest among the groups gnomAD compares: Non-Finnish European, 0.000085%; no homozygotes.

Submission:

Labcorp Genetics (formerly Invitae), Labcorp
Classification: Uncertain significance for Myopathy, proximal, and ophthalmoplegia. Last evaluated: 2023-12-02. Review status: criteria provided, single submitter. Criteria: Invitae Variant Classification Sherloc (09022015). Collection method: clinical testing. Allele origin: germline.
Comment: This sequence change replaces arginine, which is basic and polar, with leucine, which is neutral and non-polar, at codon 1802 of the MYH2 protein (p.Arg1802Leu). This variant is not present in population databases (gnomAD no frequency). This variant has not been reported in the literature in individuals affected with MYH2-related conditions. Advanced modeling of protein sequence and biophysical properties (such as structural, functional, and spatial information, amino acid conservation, physicochemical variation, residue mobility, and thermodynamic stability) performed at Invitae indicates that this missense variant is expected to disrupt MYH2 protein function with a positive predictive value of 80%. In summary, the available evidence is currently insufficient to determine the role of this variant in disease. Therefore, it has been classified as a Variant of Uncertain Significance.

NM_017534.6(MYH2):c.5405G>T (p.Arg1802Leu)

Genes: MYH2 (myosin heavy chain 2; minus strand), MYHAS (myosin heavy chain gene cluster antisense RNA; plus strand). Cytogenetic location: 17p13.1.
Variant type: single nucleotide variant.
Coding change: c.5405G>T on transcript NM_017534.6 (MANE Select); coding-DNA position 5405, G replaced by T.
Protein change: p.Arg1802Leu; replaces arginine 1802 with leucine.
Molecular consequence: missense variant.
Genome position (GRCh38, 1-based): chr17:10,523,563, C>A on the plus strand (G>T on the coding strand, the complement: MYH2 is on the minus strand). VCF-style: chr17-10523563-C-A. GRCh37 (hg19) VCF-style: chr17-10426880-C-A.
Other names: c.5405G>T, p.Arg1802Leu (NM_001100112.2); short protein forms R1802L.
Identifiers: ClinVar variation 2995652 (VCV002995652.3), dbSNP rs777282924, ClinGen allele CA398116115.
Genomic context (GRCh38, chr17:10,523,563, plus strand): 5'-TCCAGTTTCTGGATCTGCTTCTTCCCACCCTTCAGGGCCAGCTGCTCAGCCTCATCCAGA[C>A]GGAGCTGCAGATCCTTCACGGTCTGCTCCATGTTCTTCTTCATCCGCTCCAGGTGGGCGC-3'
Protein context (NP_060004.3, residues 1792-1812): MEQTVKDLQL[Arg1802Leu]LDEAEQLALK